The following is an entry in ClinVar:

NM_020806.5(GPHN):c.1544T>C (p.Ile515Thr)

Gene: GPHN (gephyrin; plus strand). Cytogenetic location: 14q23.3.
Variant type: single nucleotide variant.
Coding change: c.1544T>C on transcript NM_020806.5 (MANE Select); coding-DNA position 1544, T replaced by C.
Protein change: p.Ile515Thr; replaces isoleucine 515 with threonine.
Molecular consequence: missense variant.
Genome position (GRCh38, 1-based): chr14:67,113,089, T>C. VCF-style: chr14-67113089-T-C. GRCh37 (hg19) VCF-style: chr14-67579806-T-C.
Other names: c.1445T>C, p.Ile482Thr (NM_001024218.2); c.1604T>C, p.Ile535Thr (NM_001377514.1); c.1574T>C, p.Ile525Thr (NM_001377515.1); c.1565T>C, p.Ile522Thr (NM_001377516.1); c.1517T>C, p.Ile506Thr (NM_001377517.1); c.1502T>C, p.Ile501Thr (NM_001377518.1); c.1484T>C, p.Ile495Thr (NM_001377519.1); short protein forms I482T, I495T, I525T, I506T, I515T, I522T, I535T, I501T.
Identifiers: ClinVar variation 2012021 (VCV002012021.4), dbSNP rs766027485, ClinGen allele CA7234116.

ClinVar aggregate classification (germline): Uncertain significance (1 of 4 stars; one submission).

Conditions:
Sulfite oxidase deficiency due to molybdenum cofactor deficiency type C. Also called: Molybdenum cofactor deficiency, complementation group C; Molybdenum cofactor deficiency C. Identifiers: Orphanet 308400, Orphanet 833, MedGen C1854990, MONDO:0014212, OMIM 615501.

Allele frequency attached by ClinVar (database versions not stated): gnomAD exomes 0.00001; gnomAD 0.00001; TOPMed below 0.00001; ExAC 0.00001.
gnomAD v4.1: 10 of 1,613,492 alleles (0.00062%); highest among the groups gnomAD compares: Middle Eastern, 0.016%; no homozygotes.

Submission:

Labcorp Genetics (formerly Invitae), Labcorp
Classification: Uncertain significance for Sulfite oxidase deficiency due to molybdenum cofactor deficiency type C. Last evaluated: 2025-10-18. Review status: criteria provided, single submitter. Criteria: Invitae Variant Classification Sherloc (09022015). Collection method: clinical testing. Allele origin: germline.
Comment: This sequence change replaces isoleucine, which is neutral and non-polar, with threonine, which is neutral and polar, at codon 515 of the GPHN protein (p.Ile515Thr). This variant is present in population databases (rs766027485, gnomAD 0.003%). This variant has not been reported in the literature in individuals affected with GPHN-related conditions. ClinVar contains an entry for this variant (Variation ID: 2012021). Invitae Evidence Modeling of protein sequence and biophysical properties (such as structural, functional, and spatial information, amino acid conservation, physicochemical variation, residue mobility, and thermodynamic stability) indicates that this missense variant is not expected to disrupt GPHN protein function with a negative predictive value of 80%. In summary, the available evidence is currently insufficient to determine the role of this variant in disease. Therefore, it has been classified as a Variant of Uncertain Significance.